The following is an entry in ClinVar:

ClinVar aggregate classification (germline): Uncertain significance. Review status: criteria provided, multiple submitters, no conflicts (2 of 4 stars). 5 submissions from 5 submitters: Uncertain significance (5). Last evaluated 2025-12-17.

Conditions:
Hereditary cancer-predisposing syndrome. Also called: Hereditary Cancer Syndrome; Neoplastic Syndromes, Hereditary; Tumor predisposition; Hereditary neoplastic syndrome. Identifiers: Orphanet 140162, MedGen C0027672, MeSH D009386, MONDO:0015356.
Familial cancer of breast. Also called: BREAST CANCER, FAMILIAL; Hereditary breast cancer; hereditary breast carcinoma. Identifiers: Orphanet 227535, MedGen C0346153, MONDO:0016419, OMIM 114480. Disease mechanism: loss of function.

Allele frequency attached by ClinVar (database versions not stated): TOPMed below 0.00001; gnomAD 0.00001.
gnomAD v4.1: 3 of 1,611,400 alleles (0.00019%); highest among the groups gnomAD compares: Admixed American, 0.0017%; no homozygotes.

Submissions (5):

Labcorp Genetics (formerly Invitae), Labcorp
Classification: Uncertain significance for Familial cancer of breast. Last evaluated: 2025-12-17. Review status: criteria provided, single submitter. Criteria: Invitae Variant Classification Sherloc (09022015). Collection method: clinical testing. Allele origin: germline.
Comment: This sequence change replaces serine, which is neutral and polar, with cysteine, which is neutral and slightly polar, at codon 1065 of the PALB2 protein (p.Ser1065Cys). This variant is present in population databases (no rsID available, gnomAD no frequency). This missense change has been observed in individual(s) with breast cancer (PMID: 35264596). ClinVar contains an entry for this variant (Variation ID: 480249). Invitae Evidence Modeling of protein sequence and biophysical properties (such as structural, functional, and spatial information, amino acid conservation, physicochemical variation, residue mobility, and thermodynamic stability) indicates that this missense variant is expected to disrupt PALB2 protein function with a positive predictive value of 80%. In summary, the available evidence is currently insufficient to determine the role of this variant in disease. Therefore, it has been classified as a Variant of Uncertain Significance.

Ambry Genetics
Classification: Uncertain significance for Hereditary cancer-predisposing syndrome. Last evaluated: 2024-11-20. Review status: criteria provided, single submitter. Criteria: Ambry Variant Classification Scheme 2023. Collection method: clinical testing. Allele origin: germline.
Comment: The p.S1065C variant (also known as c.3194C>G), located in coding exon 11 of the PALB2 gene, results from a C to G substitution at nucleotide position 3194. The serine at codon 1065 is replaced by cysteine, an amino acid with dissimilar properties. This variant has been identified in breast cancer cohorts (Weitzel JN et al. Cancer, 2019 Aug;125:2829-2836; Guindalini RSC et al. Sci Rep, 2022 Mar;12:4190). Internal structural analysis indicates this variant in structurally disruptive (Oliver AW et al 2009 EMBO Rep. 2009 Sep; 10(9): 990&ndash;996; Siaud N et al, PLoS Genet. 2011 Dec; 7(12):e1002409; Ambry internal data). This amino acid position is well conserved in available vertebrate species. In addition, the in silico prediction for this alteration is inconclusive. Based on the available evidence, the clinical significance of this variant remains unclear.

Baylor Genetics
Classification: Uncertain significance for Familial cancer of breast. Last evaluated: 2024-03-22. Review status: criteria provided, single submitter. Criteria: ACMG Guidelines, 2015. Collection method: clinical testing. Allele origin: unknown.

Color Diagnostics, LLC DBA Color Health
Classification: Uncertain significance for Hereditary cancer-predisposing syndrome. Last evaluated: 2020-01-23. Review status: criteria provided, single submitter. Criteria: ACMG Guidelines, 2015. Collection method: clinical testing. Allele origin: germline.
Comment: This missense variant replaces serine with cysteine at codon 1065 of the PALB2 protein. Computational prediction suggests that this variant may not impact protein structure and function (internally defined REVEL score threshold <= 0.5, PMID: 27666373). Splice site prediction tools suggest that this variant may not impact RNA splicing. To our knowledge, functional studies have not been performed for this variant. This variant has not been reported in individuals affected with hereditary cancer in the literature. This variant has been identified in 1/31404 chromosomes in the general population by the Genome Aggregation Database (gnomAD). The available evidence is insufficient to determine the role of this variant in disease conclusively. Therefore, this variant is classified as a Variant of Uncertain Significance.

Mendelics
Classification: Uncertain significance for Hereditary cancer-predisposing syndrome. Last evaluated: 2018-07-02. Review status: criteria provided, single submitter. Criteria: Mendelics Assertion Criteria 2017. Collection method: clinical testing. Allele origin: unknown.

Literature cited by the submitters: PubMed 35264596 (cited by Labcorp Genetics (formerly Invitae), Labcorp and Ambry Genetics); PubMed 22194698 (cited by Ambry Genetics); PubMed 31206626 (cited by Ambry Genetics).

NM_024675.4(PALB2):c.3194C>G (p.Ser1065Cys)

Gene: PALB2 (partner and localizer of BRCA2; minus strand). Cytogenetic location: 16p12.2.
Variant type: single nucleotide variant.
Coding change: c.3194C>G on transcript NM_024675.4 (MANE Select); coding-DNA position 3194, C replaced by G.
Protein change: p.Ser1065Cys; replaces serine 1065 with cysteine.
Molecular consequence: missense variant.
Genome position (GRCh38, 1-based): chr16:23,614,011, G>C on the plus strand (C>G on the coding strand, the complement: PALB2 is on the minus strand). VCF-style: chr16-23614011-G-C. GRCh37 (hg19) VCF-style: chr16-23625332-G-C.
Other names: short protein forms S1065C.
Identifiers: ClinVar variation 480249 (VCV000480249.22), dbSNP rs1347982621, ClinGen allele CA395141117.